The following is an entry in ClinVar:

NC_000007.13:g.(?_151921080)_(152132871_?)dup

Gene: KMT2C (lysine methyltransferase 2C; minus strand). Cytogenetic location: 7q36.1.
Variant type: Duplication.
Identifiers: ClinVar variation 2427453 (VCV002427453.4).

ClinVar aggregate classification (germline): Uncertain significance (1 of 4 stars; one submission).

Submission:

Labcorp Genetics (formerly Invitae), Labcorp
Classification: Uncertain significance. Last evaluated: 2022-05-16. Review status: criteria provided, single submitter. Criteria: Invitae Variant Classification Sherloc (09022015). Collection method: clinical testing. Allele origin: germline.
Comment: In summary, the available evidence is currently insufficient to determine the role of this variant in disease. Therefore, it has been classified as a Variant of Uncertain Significance. Experimental studies and prediction algorithms are not available or were not evaluated, and the functional significance of this variant is currently unknown. This variant has not been reported in the literature in individuals affected with KMT2C-related conditions. This variant results in a copy number gain of the genomic region encompassing exon(s) 1-20 of the KMT2C gene. This region includes the initiator codon of the gene. This copy number gain extends beyond the assayed region for this gene and therefore may encompass additional genes. As the precise location of this event is unknown, it may be in tandem or it may be located elsewhere in the genome.